The following is an entry in ClinVar:

NM_001048174.2(MUTYH):c.398A>T (p.Asp133Val)

Gene: MUTYH (mutY DNA glycosylase; minus strand). Cytogenetic location: 1p34.1.
Variant type: single nucleotide variant.
Coding change: c.398A>T on transcript NM_001048174.2 (MANE Select); coding-DNA position 398, A replaced by T.
Protein change: p.Asp133Val; replaces aspartic acid 133 with valine.
Molecular consequence: missense variant. On other transcripts: non-coding transcript variant (2).
Genome position (GRCh38, 1-based): chr1:45,332,940, T>A on the plus strand (A>T on the coding strand, the complement: MUTYH is on the minus strand). VCF-style: chr1-45332940-T-A. GRCh37 (hg19) VCF-style: chr1-45798612-T-A.
Other names: c.398A>T, p.Asp133Val (NM_001048171.2, NM_001048173.2, NM_001293195.2); c.401A>T, p.Asp134Val (NM_001048172.2); c.482A>T, p.Asp161Val (NM_001128425.2); c.443A>T, p.Asp148Val (NM_001293190.2); c.431A>T, p.Asp144Val (NM_001293191.2); c.122A>T, p.Asp41Val (NM_001293192.2, NM_001293196.2); c.53A>T, p.Asp18Val (NM_001350650.2, NM_001350651.2); c.473A>T, p.Asp158Val (NM_012222.3); short protein forms D161V, D144V, D134V, D18V, D158V, D41V, D133V, D148V.
Identifiers: ClinVar variation 141948 (VCV000141948.20), dbSNP rs587782132, ClinGen allele CA013660.
Genomic context (GRCh38, chr1:45,332,940, plus strand): 5'-TATTGTTCCTATTTCCCCTACCCTAGGGTGGCTCTCACCTCCAGGGAAGCACTGGCCAGG[T>A]CCTGCAGTGTAGGCCACTTCTATAGCCACAGGCAGGCAGAAAGAGACAAGGTCAAGGGTG-3'
Protein context (NP_001041639.1, residues 123-143): GWMQKWPTLQ[Asp133Val]LASASLEEVN

ClinVar aggregate classification (germline): Uncertain significance. Review status: criteria provided, multiple submitters, no conflicts (2 of 4 stars). 3 submissions from 3 submitters: Uncertain significance (3). Last evaluated 2025-07-29.

Conditions:
Hereditary cancer-predisposing syndrome. Also called: Neoplastic Syndromes, Hereditary; Hereditary Cancer Syndrome; Tumor predisposition; Hereditary neoplastic syndrome. Identifiers: Orphanet 140162, MedGen C0027672, MeSH D009386, MONDO:0015356.
Familial adenomatous polyposis 2. Also called: MUTYH-associated polyposis; MUTYH Polyposis; FAP type 2; Adenomas, multiple colorectal; COLORECTAL ADENOMATOUS POLYPOSIS, AUTOSOMAL RECESSIVE; ADENOMAS, MULTIPLE COLORECTAL, AUTOSOMAL RECESSIVE. Identifiers: Orphanet 220460, Orphanet 247798, MedGen C3272841, MONDO:0012041, OMIM 608456.

Allele frequency attached by ClinVar (database versions not stated): gnomAD exomes below 0.00001 and 0.00001; ExAC 0.00001.

Submissions (3):

Labcorp Genetics (formerly Invitae), Labcorp
Classification: Uncertain significance for Familial adenomatous polyposis 2. Last evaluated: 2025-07-29. Review status: criteria provided, single submitter. Criteria: Invitae Variant Classification Sherloc (09022015). Collection method: clinical testing. Allele origin: germline.
Comment: This sequence change replaces aspartic acid, which is acidic and polar, with valine, which is neutral and non-polar, at codon 161 of the MUTYH protein (p.Asp161Val). This variant is present in population databases (rs587782132, gnomAD 0.003%). This variant has not been reported in the literature in individuals affected with MUTYH-related conditions. ClinVar contains an entry for this variant (Variation ID: 141948). An algorithm developed to predict the effect of missense changes on protein structure and function (PolyPhen-2) suggests that this variant is likely to be disruptive. Algorithms developed to predict the effect of sequence changes on RNA splicing suggest that this variant may disrupt the consensus splice site. In summary, the available evidence is currently insufficient to determine the role of this variant in disease. Therefore, it has been classified as a Variant of Uncertain Significance.

Ambry Genetics
Classification: Uncertain significance for Hereditary cancer-predisposing syndrome. Last evaluated: 2025-01-02. Review status: criteria provided, single submitter. Criteria: Ambry Variant Classification Scheme 2023. Collection method: clinical testing. Allele origin: germline.
Comment: The p.D161V variant (also known as c.482A>T), located in coding exon 6 of the MUTYH gene, results from an A to T substitution at nucleotide position 482. The aspartic acid at codon 161 is replaced by valine, an amino acid with highly dissimilar properties. This amino acid position is not well conserved in available vertebrate species. In addition, the in silico prediction for this alteration is inconclusive. Since supporting evidence is limited at this time, the clinical significance of this alteration remains unclear.

Color Diagnostics, LLC DBA Color Health
Classification: Uncertain significance for Hereditary cancer-predisposing syndrome. Last evaluated: 2024-03-06. Review status: criteria provided, single submitter. Criteria: ACMG Guidelines, 2015. Collection method: clinical testing. Allele origin: germline.
Comment: This missense variant replaces aspartic acid with valine at codon 161 of the MUTYH protein. Computational prediction suggests that this variant may have deleterious impact on protein structure and function (internally defined REVEL score threshold >= 0.7, PMID: 27666373). Splice site prediction tools suggest that this variant may not impact RNA splicing. To our knowledge, functional studies have not been performed for this variant. This variant has not been reported in individuals affected with hereditary cancer in the literature. This variant has been identified in 1/250400 chromosomes in the general population by the Genome Aggregation Database (gnomAD). The available evidence is insufficient to determine the role of this variant in disease conclusively. Therefore, this variant is classified as a Variant of Uncertain Significance.